The following is an entry in ClinVar:

ClinVar aggregate classification (germline): Uncertain significance (1 of 4 stars; one submission).

Submission:

Labcorp Genetics (formerly Invitae), Labcorp
Classification: Uncertain significance. Last evaluated: 2023-02-22. Review status: criteria provided, single submitter. Criteria: Invitae Variant Classification Sherloc (09022015). Collection method: clinical testing. Allele origin: germline.
Comment: In summary, the available evidence is currently insufficient to determine the role of this variant in disease. Therefore, it has been classified as a Variant of Uncertain Significance. Experimental studies and prediction algorithms are not available or were not evaluated, and the functional significance of this variant is currently unknown. This variant has not been reported in the literature in individuals affected with MNX1-related conditions. The frequency data for this variant in the population databases is considered unreliable, as metrics indicate insufficient coverage at this position in the gnomAD database. This sequence change replaces glycine, which is neutral and non-polar, with arginine, which is basic and polar, at codon 107 of the MNX1 protein (p.Gly107Arg).

NM_005515.4(MNX1):c.319G>C (p.Gly107Arg)

Gene: MNX1 (motor neuron and pancreas homeobox 1; minus strand). Cytogenetic location: 7q36.3.
Variant type: single nucleotide variant.
Coding change: c.319G>C on transcript NM_005515.4 (MANE Select); coding-DNA position 319, G replaced by C.
Protein change: p.Gly107Arg; replaces glycine 107 with arginine.
Molecular consequence: missense variant.
Genome position (GRCh38, 1-based): chr7:157,010,032, C>G on the plus strand (G>C on the coding strand, the complement: MNX1 is on the minus strand). VCF-style: chr7-157010032-C-G. GRCh37 (hg19) VCF-style: chr7-156802726-C-G.
Other names: short protein forms G107R.
Identifiers: ClinVar variation 2904147 (VCV002904147.3), dbSNP rs1336371273, ClinGen allele CA370164803.
Genomic context (GRCh38, chr7:157,010,032, plus strand): 5'-CGGCGGCAGCGGCCGCTGCGCCCGGATGCGCGTGGTGGTGGGGCCCCCCGTGCCCGCCGC[C>G]CGTGCCGCCGCCGCCGCCGCCCGCGCCCAGGAAGCCCGGCTTGGGCAGCAGCGCGCAGTG-3'
Protein context (NP_005506.3, residues 97-117): LGAGGGGGGT[Gly107Arg]GGHGGPHHHA